The following is an entry in ClinVar:

ClinVar aggregate classification (germline): Likely pathogenic (1 of 4 stars; one submission).

Conditions:
Autosomal recessive Alport syndrome (ATS2). Also called: COL4A4 Alport Syndrome and Thin Basement Membrane Nephropathy; ALPORT SYNDROME 2, AUTOSOMAL RECESSIVE; Alport syndrome type 2; COL4A3-Related Nephropathy. Identifiers: Orphanet 63, Orphanet 88919, MedGen C4746745, MONDO:0008762, OMIM 203780.

Submission:

3billion
Classification: Likely pathogenic for Autosomal recessive Alport syndrome. Last evaluated: 2025-08-26. Review status: criteria provided, single submitter. Criteria: ACMG Guidelines, 2015. Collection method: clinical testing. Allele origin: germline. Affected: yes.
Comment: The variant is not observed in the gnomAD v4.1.0 dataset. Predicted Consequence/Location: Frameshift: predicted to result in a loss or disruption of normal protein function through nonsense-mediated decay (NMD) or protein truncation. Multiple pathogenic variants are reported downstream of the variant. Therefore, this variant is classified as Likely pathogenic according to the recommendation of ACMG/AMP guideline.

NM_000092.5(COL4A4):c.213del (p.Pro72fs)

Gene: COL4A4 (collagen type IV alpha 4 chain; minus strand). Cytogenetic location: 2q36.3.
Variant type: Deletion.
Coding change: c.213del on transcript NM_000092.5 (MANE Select); coding-DNA position 213, one base deleted (G; older notation c.213delG).
Protein change: p.Pro72fs; shifts the reading frame from proline 72.
Molecular consequence: frameshift variant.
Genome position (GRCh38, 1-based): chr2:227,121,128, C deleted on the plus strand (G on the coding strand, the reverse complement: COL4A4 is on the minus strand); the first of 3 consecutive C bases (chr2:227,121,128-227,121,130); deleting any one gives the same sequence. VCF-style (leftmost placement, unchanged base first): chr2-227121127-GC-G. GRCh37 (hg19) VCF-style: chr2-227985843-GC-G.
Other names: short protein forms P72fs.
Identifiers: ClinVar variation 4854779 (VCV004854779.1).